The following is an entry in ClinVar:

NM_018486.3(HDAC8):c.667C>T (p.Arg223Trp)

Gene: HDAC8 (histone deacetylase 8; minus strand). Cytogenetic location: Xq13.1.
Variant type: single nucleotide variant.
Coding change: c.667C>T on transcript NM_018486.3 (MANE Select); coding-DNA position 667, C replaced by T.
Protein change: p.Arg223Trp; replaces arginine 223 with tryptophan.
Molecular consequence: missense variant. On other transcripts: non-coding transcript variant (1).
Genome position (GRCh38, 1-based): chrX:72,489,003, G>A on the plus strand (C>T on the coding strand, the complement: HDAC8 is on the minus strand). VCF-style: chrX-72489003-G-A. GRCh37 (hg19) VCF-style: chrX-71708853-G-A.
Other names: c.394C>T, p.Arg132Trp (NM_001166418.2); c.667C>T, p.Arg223Trp (NM_001166419.2); c.316C>T, p.Arg106Trp (NM_001166448.2); short protein forms R223W, R132W, R106W.
Identifiers: ClinVar variation 623138 (VCV000623138.10), dbSNP rs1556007534, ClinGen allele CA413639138.

ClinVar aggregate classification (germline): Conflicting classifications of pathogenicity. Review status: criteria provided, conflicting classifications (1 of 4 stars). 4 submissions from 4 submitters: Pathogenic (1); Likely pathogenic (2); Uncertain significance (1). Last evaluated 2026-09-08.

Conditions:
Cornelia de Lange syndrome 5 (CDLS5). Also called: HDAC8-Related Cornelia de Lange Syndrome. Identifiers: Orphanet 199, MedGen C3550903, MONDO:0010471, OMIM 300882.
HDAC8-related disorders.

Submissions (4):

GeneDx
Classification: Pathogenic. Last evaluated: 2026-09-08. Review status: criteria provided, single submitter. Criteria: GeneDx Variant Classification Process June 2021. Collection method: clinical testing. Allele origin: germline.
Comment: Observed in hemizygous state in patients with clinical features of an HDAC8-related disorder referred for genetic testing at GeneDx and in published literature, including at least one observation as a de novo variant, and not observed in hemizygous state in controls (PMID: 25533962); Not observed at significant frequency in large population cohorts (gnomAD); In silico analysis supports that this missense variant has a deleterious effect on protein structure/function; This variant is associated with the following publications: (PMID: 25533962, 33149276)

Labcorp Genetics (formerly Invitae), Labcorp
Classification: Uncertain significance for Cornelia de Lange syndrome 5. Last evaluated: 2023-01-20. Review status: criteria provided, single submitter. Criteria: Invitae Variant Classification Sherloc (09022015). Collection method: clinical testing. Allele origin: germline.
Comment: This sequence change replaces arginine, which is basic and polar, with tryptophan, which is neutral and slightly polar, at codon 223 of the HDAC8 protein (p.Arg223Trp). This variant is not present in population databases (gnomAD no frequency). This missense change has been observed in individual(s) with clinical features of Cornelia de Lange syndrome (PMID: 25533962). ClinVar contains an entry for this variant (Variation ID: 623138). Advanced modeling of protein sequence and biophysical properties (such as structural, functional, and spatial information, amino acid conservation, physicochemical variation, residue mobility, and thermodynamic stability) performed at Invitae indicates that this missense variant is not expected to disrupt HDAC8 protein function. In summary, the available evidence is currently insufficient to determine the role of this variant in disease. Therefore, it has been classified as a Variant of Uncertain Significance.

Blueprint Genetics
Classification: Likely pathogenic for HDAC8-related disorders. Last evaluated: 2019-02-25. Review status: criteria provided, single submitter. Criteria: ACMG Guidelines, 2015. Collection method: clinical testing. Allele origin: germline. Affected: yes. Observed: 1 variant allele.

Molecular Diagnostics Laboratory, M Health Fairview: University of Minnesota
Classification: Likely pathogenic for Cornelia de Lange syndrome 5. Last evaluated: 2017-04-11. Review status: criteria provided, single submitter. Criteria: ACMG Guidelines, 2015. Collection method: clinical testing. Allele origin: germline. Affected: yes. Observed: 1 variant allele.

Literature cited by the submitters: PubMed 25533962 (cited by Labcorp Genetics (formerly Invitae), Labcorp and Molecular Diagnostics Laboratory, M Health Fairview: University of Minnesota).